The following is an entry in ClinVar:

ClinVar aggregate classification (germline): Pathogenic. Review status: criteria provided, multiple submitters, no conflicts (2 of 4 stars). 3 submissions from 3 submitters: Pathogenic (3). Last evaluated 2025-04-07.

Conditions:
Hereditary cancer-predisposing syndrome. Also called: Hereditary neoplastic syndrome; Neoplastic Syndromes, Hereditary; Tumor predisposition; Hereditary Cancer Syndrome. Identifiers: Orphanet 140162, MedGen C0027672, MeSH D009386, MONDO:0015356.
Familial adenomatous polyposis 4 (FAP4). Also called: MSH3-related attenuated familial adenomatous polyposis. Identifiers: Orphanet 480536, MedGen C4310719, MONDO:0044300, OMIM 617100.

Submissions (3):

Myriad Genetics, Inc.
Classification: Pathogenic for Familial adenomatous polyposis 4. Last evaluated: 2025-04-07. Review status: criteria provided, single submitter. Criteria: Myriad Autosomal Dominant, Autosomal Recessive and X-Linked Classification Criteria (2023). Collection method: clinical testing. Allele origin: unknown.
Comment: This variant is considered pathogenic. This variant creates a frameshift predicted to result in premature protein truncation.

Ambry Genetics
Classification: Pathogenic for Hereditary cancer-predisposing syndrome. Last evaluated: 2023-09-07. Review status: criteria provided, single submitter. Criteria: Ambry Variant Classification Scheme 2023. Collection method: clinical testing. Allele origin: germline.
Comment: The c.2216delA pathogenic mutation, located in coding exon 15 of the MSH3 gene, results from a deletion of one nucleotide at nucleotide position 2216, causing a translational frameshift with a predicted alternate stop codon (p.N739Ifs*7). This variant is considered to be rare based on population cohorts in the Genome Aggregation Database (gnomAD). This alteration is expected to result in loss of function by premature protein truncation or nonsense-mediated mRNA decay. As such, this alteration is interpreted as a disease-causing mutation.

Labcorp Genetics (formerly Invitae), Labcorp
Classification: Pathogenic. Last evaluated: 2019-04-10. Review status: criteria provided, single submitter. Criteria: Invitae Variant Classification Sherloc (09022015). Collection method: clinical testing. Allele origin: germline.
Comment: This sequence change creates a premature translational stop signal (p.Asn739Ilefs*7) in the MSH3 gene. It is expected to result in an absent or disrupted protein product. This variant is not present in population databases (ExAC no frequency). This variant has not been reported in the literature in individuals with MSH3-related conditions. Loss-of-function variants in MSH3 are known to be pathogenic (PMID: 27476653). For these reasons, this variant has been classified as Pathogenic.

Literature cited by the submitters: PubMed 27476653 (cited by Labcorp Genetics (formerly Invitae), Labcorp).

NM_002439.5(MSH3):c.2216del (p.Asn739fs)

Gene: MSH3 (mutS homolog 3; plus strand). Cytogenetic location: 5q14.1.
Variant type: Deletion.
Coding change: c.2216del on transcript NM_002439.5 (MANE Select); coding-DNA position 2216, one base deleted (A; older notation c.2216delA).
Protein change: p.Asn739fs; shifts the reading frame from asparagine 739.
Molecular consequence: frameshift variant.
Genome position (GRCh38, 1-based): chr5:80,768,966, A deleted; the last of 6 consecutive A bases (chr5:80,768,961-80,768,966); deleting any one gives the same sequence. VCF-style (leftmost placement, unchanged base first): chr5-80768960-TA-T. GRCh37 (hg19) VCF-style: chr5-80064779-TA-T.
Other names: c.2216delA (NM_002439.3); short protein forms N739fs.
Identifiers: ClinVar variation 835483 (VCV000835483.10), dbSNP rs1580035033, ClinGen allele CA916082729.